The following is an entry in ClinVar:

NM_001204.7(BMPR2):c.2365G>A (p.Ala789Thr)

Gene: BMPR2 (bone morphogenetic protein receptor type 2; plus strand). Cytogenetic location: 2q33.2.
Variant type: single nucleotide variant.
Coding change: c.2365G>A on transcript NM_001204.7 (MANE Select); coding-DNA position 2365, G replaced by A.
Protein change: p.Ala789Thr; replaces alanine 789 with threonine.
Molecular consequence: missense variant.
Genome position (GRCh38, 1-based): chr2:202,556,030, G>A. VCF-style: chr2-202556030-G-A. GRCh37 (hg19) VCF-style: chr2-203420753-G-A.
Other names: short protein forms A789T.
Identifiers: ClinVar variation 4827195 (VCV004827195.1).

ClinVar aggregate classification (germline): Uncertain significance (1 of 4 stars; one submission).

Conditions:
Inborn genetic diseases. Identifiers: MedGen C0950123, MeSH D030342.

Submission:

Ambry Genetics
Classification: Uncertain significance for Inborn genetic diseases. Last evaluated: 2026-03-11. Review status: criteria provided, single submitter. Criteria: Ambry Variant Classification Scheme 2023. Collection method: clinical testing. Allele origin: germline.
Comment: The p.A789T variant (also known as c.2365G>A), located in coding exon 12 of the BMPR2 gene, results from a G to A substitution at nucleotide position 2365. The alanine at codon 789 is replaced by threonine, an amino acid with similar properties. This amino acid position is conserved. In addition, this alteration is predicted to be tolerated by in silico analysis. Based on the available evidence, the clinical significance of this variant remains unclear.